The following is an entry in ClinVar:

NM_001278064.2(GRM1):c.2785G>A (p.Val929Ile)

Gene: GRM1 (glutamate metabotropic receptor 1; plus strand). Cytogenetic location: 6q24.3.
Variant type: single nucleotide variant.
Coding change: c.2785G>A on transcript NM_001278064.2 (MANE Select); coding-DNA position 2785, G replaced by A.
Protein change: p.Val929Ile; replaces valine 929 with isoleucine.
Molecular consequence: missense variant. On other transcripts: 3 prime UTR variant (3).
Genome position (GRCh38, 1-based): chr6:146,433,996, G>A. VCF-style: chr6-146433996-G-A. GRCh37 (hg19) VCF-style: chr6-146755132-G-A.
Other names: p.Val929Ile; c.*149G>A (NM_001278065.2); c.*114G>A (NM_001278066.1); c.*23G>A (NM_001278067.1); short protein forms V929I.
Identifiers: ClinVar variation 995115 (VCV000995115.13), dbSNP rs2941, ClinGen allele CA4037561.
Genomic context (GRCh38, chr6:146,433,996, plus strand): 5'-ATGTGGCACCGCCTCTCTGTGCACGTGAAGACCAATGAGACGGCCTGCAACCAAACAGCC[G>A]TCATCAAGCCCCTCACTAAAAGTTACCAAGGCTCTGGCAAGAGCCTGACCTTTTCAGATA-3'
Protein context (NP_001264993.1, residues 919-939): TNETACNQTA[Val929Ile]IKPLTKSYQG

ClinVar aggregate classification (germline): Benign/Likely benign. Review status: criteria provided, multiple submitters, no conflicts (2 of 4 stars). 6 submissions from 6 submitters: Benign (3); Likely benign (2). 1 of the submissions does not count toward it. Last evaluated 2026-01-27.

Conditions:
GRM1-related disorder. Also called: GRM1-related condition.

Allele frequency attached by ClinVar (database versions not stated): 1000 Genomes Project 0.00919; 1000 Genomes Project 30x 0.00999; TOPMed 0.01102; gnomAD 0.01190 and 0.01171; ESP Exome Variant Server 0.01346.
gnomAD v4.1: 25,687 of 1,613,966 alleles (1.6%); highest among the groups gnomAD compares: Middle Eastern, 1.9%; 264 homozygotes.

Submissions (6):

Labcorp Genetics (formerly Invitae), Labcorp
Classification: Benign. Last evaluated: 2026-01-27. Review status: criteria provided, single submitter. Criteria: Invitae Variant Classification Sherloc (09022015). Collection method: clinical testing. Allele origin: germline.

GeneDx
Classification: Likely benign. Last evaluated: 2024-04-27. Review status: criteria provided, single submitter. Criteria: GeneDx Variant Classification Process June 2021. Collection method: clinical testing. Allele origin: germline. Affected: yes.
Comment: See Variant Classification Assertion Criteria.

Mayo Clinic Laboratories, Mayo Clinic
Classification: Benign. Last evaluated: 2024-01-04. Review status: criteria provided, single submitter. Criteria: ACMG Guidelines, 2015. Collection method: clinical testing. Allele origin: germline. Observed: 13 variant alleles.
Comment: BA1, BS2, BP4

Athena Diagnostics
Classification: Benign. Last evaluated: 2023-12-13. Review status: criteria provided, single submitter. Criteria: Athena Diagnostics Criteria. Collection method: clinical testing. Allele origin: unknown.

Breakthrough Genomics
Classification: Likely benign. Review status: criteria provided, single submitter. Criteria: ACMG Guidelines, 2015. Collection method: not provided. Allele origin: germline. Inheritance: Autosomal recessive inheritance. Affected: yes.

PreventionGenetics, part of Exact Sciences
Classification: Benign for GRM1-related condition. Last evaluated: 2019-09-06. Review status: no assertion criteria provided. Collection method: clinical testing. Allele origin: germline. Not counted in ClinVar's aggregate classification.
Comment: This variant is classified as benign based on ACMG/AMP sequence variant interpretation guidelines (Richards et al. 2015 PMID: 25741868, with internal and published modifications).

Literature cited by the submitters: PubMed 19146831 (cited by Athena Diagnostics); PubMed 22448230 (cited by Athena Diagnostics).